The following is an entry in ClinVar:

ClinVar aggregate classification (germline): Conflicting classifications of pathogenicity. Review status: criteria provided, conflicting classifications (1 of 4 stars). 2 submissions from 2 submitters: Uncertain significance (1); Likely benign (1). Last evaluated 2026-04-16.

Conditions:
Dilated cardiomyopathy 1G (CMD1G). Identifiers: Orphanet 154, MedGen C1858763, MONDO:0011400, OMIM 604145.
Autosomal recessive limb-girdle muscular dystrophy type 2J (LGMDR10). Also called: Limb-girdle muscular dystrophy, type 2J; MUSCULAR DYSTROPHY, LIMB-GIRDLE, AUTOSOMAL RECESSIVE 10. Identifiers: Orphanet 140922, MedGen C1837342, MONDO:0012127, OMIM 608807.
Cardiovascular phenotype. Identifiers: MedGen CN230736.

Allele frequency attached by ClinVar (database versions not stated): gnomAD exomes below 0.00001; TOPMed below 0.00001.
gnomAD v4.1: 3 of 1,613,992 alleles (0.00019%); highest among the groups gnomAD compares: Non-Finnish European, 0.000085%; no homozygotes.

Submissions (2):

Ambry Genetics
Classification: Likely benign for Cardiovascular phenotype. Last evaluated: 2026-04-16. Review status: criteria provided, single submitter. Criteria: Ambry Variant Classification Scheme 2023. Collection method: clinical testing. Allele origin: germline.

Labcorp Genetics (formerly Invitae), Labcorp
Classification: Uncertain significance for Dilated cardiomyopathy 1G; Autosomal recessive limb-girdle muscular dystrophy type 2J. Last evaluated: 2025-05-11. Review status: criteria provided, single submitter. Criteria: Invitae Variant Classification Sherloc (09022015). Collection method: clinical testing. Allele origin: germline.
Comment: This sequence change replaces leucine, which is neutral and non-polar, with arginine, which is basic and polar, at codon 34946 of the TTN protein (p.Leu34946Arg). This variant is not present in population databases (gnomAD no frequency). This variant has not been reported in the literature in individuals affected with TTN-related conditions. ClinVar contains an entry for this variant (Variation ID: 1001166). Experimental studies and prediction algorithms are not available or were not evaluated, and the functional significance of this variant is currently unknown. This variant is located in the M band of TTN (PMID: 25589632). Non-truncating variants in this region may be relevant for neuromuscular disorders, but have not been definitively shown to cause cardiomyopathy (PMID: 23975875). In summary, the available evidence is currently insufficient to determine the role of this variant in disease. Therefore, it has been classified as a Variant of Uncertain Significance.

Literature cited by the submitters: PubMed 25589632 (cited by Labcorp Genetics (formerly Invitae), Labcorp); PubMed 23975875 (cited by Labcorp Genetics (formerly Invitae), Labcorp).

NM_001267550.2(TTN):c.104837T>G (p.Leu34946Arg)

Genes: TTN (titin; minus strand), TTN-AS1 (TTN antisense RNA 1; plus strand). Cytogenetic location: 2q31.2.
Variant type: single nucleotide variant.
Coding change: c.104837T>G on transcript NM_001267550.2 (MANE Select); coding-DNA position 104837, T replaced by G.
Protein change: p.Leu34946Arg; replaces leucine 34946 with arginine.
Molecular consequence: missense variant.
Genome position (GRCh38, 1-based): chr2:178,531,778, A>C on the plus strand (T>G on the coding strand, the complement: TTN is on the minus strand). VCF-style: chr2-178531778-A-C. GRCh37 (hg19) VCF-style: chr2-179396505-A-C.
Other names: c.99914T>G, p.Leu33305Arg (NM_001256850.1); c.77642T>G, p.Leu25881Arg (NM_003319.4); c.97133T>G, p.Leu32378Arg (NM_133378.4); c.78017T>G, p.Leu26006Arg (NM_133432.3); c.78218T>G, p.Leu26073Arg (NM_133437.4); short protein forms L25881R, L26006R, L26073R, L32378R, L33305R, L34946R.
Identifiers: ClinVar variation 1001166 (VCV001001166.12), dbSNP rs1185207035, ClinGen allele CA349410779.